The following is an entry in ClinVar:

NM_020738.4(KIDINS220):c.4915A>G (p.Ile1639Val)

Gene: KIDINS220 (kinase D interacting substrate 220; minus strand). Cytogenetic location: 2p25.1.
Variant type: single nucleotide variant.
Coding change: c.4915A>G on transcript NM_020738.4 (MANE Select); coding-DNA position 4915, A replaced by G.
Protein change: p.Ile1639Val; replaces isoleucine 1639 with valine.
Molecular consequence: missense variant. On other transcripts: intron variant (6).
Genome position (GRCh38, 1-based): chr2:8,731,121, T>C on the plus strand (A>G on the coding strand, the complement: KIDINS220 is on the minus strand). VCF-style: chr2-8731121-T-C. GRCh37 (hg19) VCF-style: chr2-8871251-T-C.
Other names: c.4918A>G, p.Ile1640Val (NM_001348729.2); c.4861A>G, p.Ile1621Val (NM_001348731.2); c.4858A>G, p.Ile1620Val (NM_001348732.2); c.4747A>G, p.Ile1583Val (NM_001348734.2); c.4744A>G, p.Ile1582Val (NM_001348735.2); c.4915A>G (NM_020738.2); c.4618A>G, p.Ile1540Val (NM_001348736.2); c.3882+2323A>G (NM_001348741.2, NM_001348742.2, NM_001348743.2); and 2 more; short protein forms I1540V, I1620V, I1621V, I1582V, I1583V, I1639V, I1640V.
Identifiers: ClinVar variation 1488955 (VCV001488955.11), dbSNP rs376497503, ClinGen allele CA1519285.

ClinVar aggregate classification (germline): Uncertain significance. Review status: criteria provided, multiple submitters, no conflicts (2 of 4 stars). 2 submissions from 2 submitters: Uncertain significance (2). Last evaluated 2025-08-18.

Conditions:
KIDINS220-related disorder. Also called: KIDINS220-related condition.

Allele frequency attached by ClinVar (database versions not stated): ESP Exome Variant Server 0.00008.
gnomAD v4.1: 20 of 1,614,072 alleles (0.0012%); highest among the groups gnomAD compares: African/African-American, 0.011%; no homozygotes.

Submissions (2):

PreventionGenetics, part of Exact Sciences
Classification: Uncertain significance for KIDINS220-related condition. Last evaluated: 2025-08-18. Review status: criteria provided, single submitter. Criteria: ACMG Guidelines, 2015. Collection method: clinical testing. Allele origin: germline.
Comment: The KIDINS220 c.4915A>G variant is predicted to result in the amino acid substitution p.Ile1639Val. To our knowledge, this variant has not been reported in the literature in association with disease. This variant is reported in 0.017% of alleles in individuals of African descent in gnomAD. At this time, the clinical significance of this variant is uncertain due to the absence of conclusive functional and genetic evidence.

Labcorp Genetics (formerly Invitae), Labcorp
Classification: Uncertain significance. Last evaluated: 2024-03-14. Review status: criteria provided, single submitter. Criteria: Invitae Variant Classification Sherloc (09022015). Collection method: clinical testing. Allele origin: germline.
Comment: This sequence change replaces isoleucine, which is neutral and non-polar, with valine, which is neutral and non-polar, at codon 1639 of the KIDINS220 protein (p.Ile1639Val). This variant is present in population databases (rs376497503, gnomAD 0.02%). This variant has not been reported in the literature in individuals affected with KIDINS220-related conditions. ClinVar contains an entry for this variant (Variation ID: 1488955). Algorithms developed to predict the effect of missense changes on protein structure and function output the following: SIFT: "Not Available"; PolyPhen-2: "Benign"; Align-GVGD: "Not Available". The valine amino acid residue is found in multiple mammalian species, which suggests that this missense change does not adversely affect protein function. In summary, the available evidence is currently insufficient to determine the role of this variant in disease. Therefore, it has been classified as a Variant of Uncertain Significance.